The following is an entry in ClinVar:

ClinVar aggregate classification (germline): Likely pathogenic (1 of 4 stars; one submission).

Conditions:
Vascular malformation. Also called: Vascular malformations. Identifiers: MedGen C0158570, MONDO:0024291.

Submission:

Clinical Genomics Laboratory, Washington University in St. Louis
Classification: Likely pathogenic for Vascular malformation. Last evaluated: 2024-12-17. Review status: criteria provided, single submitter. Criteria: Leon-Quintero et al. (Clin Genet. 2025). Collection method: clinical testing. Allele origin: somatic. Affected: yes.
Comment: A PIK3R1 c.1717_1719del (p.Leu573del) variant was identified at an allelic fraction consistent with somatic origin. This variant is predicted to cause a change in the length of the protein due to an in-frame deletion of one amino acid in a non-repeat region. It is absent from the general population (gnomAD v.4.1.0), indicating it is not a common variant. The PIK3R1 c.1717_1719del (p.Leu573del) variant resides within a region, the inter-SH2 domain, of p85a that is defined as a critical functional domain and is a region enriched with pathogenic variation in individuals with vascular malformations and overgrowth (Liu S et al., PMID: 24459181; Chen L et al., PMID: 29636477; Cottrell C et al. PMID: 34040190). Based on available information and an internally developed protocol informed by the ACMG/AMP guidelines for variant interpretation and gene-specific practices from the ClinGen Criteria Specification Registry (Leon-Quintero FZ et al., PMID: 39434542), the PIK3R1 c.1717_1719del (p.Leu573del) variant is classified as likely pathogenic.

NM_181523.3(PIK3R1):c.1717_1719del (p.Leu573del)

Gene: PIK3R1 (phosphoinositide-3-kinase regulatory subunit 1; plus strand). Cytogenetic location: 5q13.1.
Variant type: Deletion.
Coding change: c.1717_1719del on transcript NM_181523.3 (MANE Select); coding-DNA positions 1717 to 1719, 3 bases deleted (CTG; older notation c.1717_1719delCTG).
Protein change: p.Leu573del; deletes leucine 573.
Genome position (GRCh38, 1-based): chr5:68,295,296-68,295,298, CTG deleted; deleting any 3 consecutive bases within chr5:68,295,295-68,295,298 gives the same sequence; the c. name uses the placement nearest the transcript's 3' end. VCF-style (leftmost placement, unchanged base first): chr5-68295294-AGCT-A. GRCh37 (hg19) VCF-style: chr5-67591122-AGCT-A.
Other names: c.628_630del, p.Leu210del (NM_001242466.2); c.907_909del, p.Leu303del (NM_181504.4); c.817_819del, p.Leu273del (NM_181524.2); short protein forms L210del, L273del, L303del, L573del.
Identifiers: ClinVar variation 3774506 (VCV003774506.1).